The following is an entry in ClinVar:

NM_000179.3(MSH6):c.3267dup (p.Glu1090fs)

Gene: MSH6 (mutS homolog 6; plus strand). Cytogenetic location: 2p16.3.
Variant type: Duplication.
Coding change: c.3267dup on transcript NM_000179.3 (MANE Select); coding-DNA position 3267, one base duplicated (A; older notation c.3267dupA).
Protein change: p.Glu1090fs; shifts the reading frame from glutamic acid 1090.
Molecular consequence: frameshift variant.
Genome position (GRCh38, 1-based): chr2:47,803,514, A duplicated. VCF-style (leftmost placement, unchanged base first): chr2-47803513-T-TA. GRCh37 (hg19) VCF-style: chr2-48030652-T-TA.
Other names: c.2877dup, p.Glu960fs (NM_001281492.2); c.2361dup, p.Glu788fs (NM_001281493.2, NM_001281494.2); c.3267dupA (NM_000179.2); short protein forms E1090fs, E960fs, E788fs.
Identifiers: ClinVar variation 372412 (VCV000372412.3), dbSNP rs1553331434, ClinGen allele CA16042418.

ClinVar aggregate classification (germline): Pathogenic. Review status: criteria provided, multiple submitters, no conflicts (2 of 4 stars). 2 submissions from 2 submitters: Pathogenic (2). Last evaluated 2023-12-28.

Conditions:
Lynch syndrome 5 (LYNCH5). Also called: Colorectal cancer, hereditary nonpolyposis, type 5; Hereditary non-polyposis colorectal cancer, type 5. Identifiers: Orphanet 144, MedGen C1833477, MONDO:0013710, OMIM 614350. Disease mechanism: loss of function.

Submissions (2):

Myriad Genetics, Inc.
Classification: Pathogenic for Lynch syndrome 5. Last evaluated: 2023-12-28. Review status: criteria provided, single submitter. Criteria: Myriad Autosomal Dominant, Autosomal Recessive and X-Linked Classification Criteria (2023). Collection method: clinical testing. Allele origin: unknown.
Comment: This variant is considered pathogenic. This variant creates a frameshift predicted to result in premature protein truncation.

GeneDx
Classification: Pathogenic. Last evaluated: 2017-01-03. Review status: criteria provided, single submitter. Criteria: GeneDx Variant Classification (06012015). Collection method: clinical testing. Allele origin: germline. Affected: yes.
Comment: This duplication of one nucleotide in MSH6 is denoted c.3267dupA at the cDNA level and p.Glu1090ArgfsX3 (E1090RfsX3) at the protein level. The normal sequence, with the base that is duplicated in brackets, is TCTT[dupA]GAGC. The duplication causes a frameshift, which changes a Glutamic Acid to an Arginine at codon 1090, and creates a premature stop codon at position 3 of the new reading frame. Although this variant has not, to our knowledge, been reported in the literature, it is predicted to cause loss of normal protein function through either protein truncation or nonsense-mediated mRNA decay. In addition, MSH6 c.3263dupT, which also results in p.Glu1090ArgfsX3, has been observed in at least one individual with colon cancer (You 2010). Based on currently available evidence, we consider MSH6 c.3267dupA to be pathogenic.